The following is an entry in ClinVar:

ClinVar aggregate classification (germline): Likely pathogenic (1 of 4 stars; one submission).

Submission:

Labcorp Genetics (formerly Invitae), Labcorp
Classification: Likely pathogenic. Last evaluated: 2023-01-20. Review status: criteria provided, single submitter. Criteria: Invitae Variant Classification Sherloc (09022015). Collection method: clinical testing. Allele origin: germline.
Comment: In summary, the currently available evidence indicates that the variant is pathogenic, but additional data are needed to prove that conclusively. Therefore, this variant has been classified as Likely Pathogenic. Algorithms developed to predict the effect of sequence changes on RNA splicing suggest that this variant may disrupt the consensus splice site. This variant has not been reported in the literature in individuals affected with COL7A1-related conditions. This variant is not present in population databases (gnomAD no frequency). This sequence change affects an acceptor splice site in intron 46 of the COL7A1 gene. It is expected to disrupt splicing. Variants that disrupt the donor or acceptor splice site typically lead to a loss of protein function (PMID: 16199547), and loss-of-function variants in COL7A1 are known to be disease-causing for autosomal recessive dystrophic epidermolysis bullosa (PMID: 16971478). However, certain variants affecting donor or acceptor splice sites in the triple helical domain of COL7A1 are expected to result in in-frame exon skipping and have been reported to cause autosomal dominant dystrophic epidermolysis bullosa (PMID: 31670143).

Literature cited by the submitters: PubMed 16199547; PubMed 16971478; PubMed 31670143.

NM_000094.4(COL7A1):c.4636-1G>A

Gene: COL7A1 (collagen type VII alpha 1 chain; minus strand). Cytogenetic location: 3p21.31.
Variant type: single nucleotide variant.
Coding change: c.4636-1G>A on transcript NM_000094.4 (MANE Select); the canonical splice acceptor site of the intron before coding-DNA position 4636, G replaced by A.
Molecular consequence: splice acceptor variant.
Genome position (GRCh38, 1-based): chr3:48,581,944, C>T on the plus strand (G>A on the coding strand, the complement: COL7A1 is on the minus strand). VCF-style: chr3-48581944-C-T. GRCh37 (hg19) VCF-style: chr3-48619377-C-T.
Identifiers: ClinVar variation 2028035 (VCV002028035.4), dbSNP rs2531114400, ClinGen allele CA352686713.
Genomic context (GRCh38, chr3:48,581,944, plus strand): 5'-CCTCCCCTTGCCCCATACCAGGCTTACCTTTTCTCCTTTGGGTCCAGCAACAGCAGGTCC[C>T]TGAAAACAAACAGGACAGATACAGCTTGGCCCTGCCTTGGGGTTGTATGATCAAAGTCTT-3'